The following is an entry in ClinVar:

NM_014588.6(VSX1):c.739C>A (p.Pro247Thr)

Gene: VSX1 (visual system homeobox 1; minus strand). Cytogenetic location: 20p11.21.
Variant type: single nucleotide variant.
Coding change: c.739C>A on transcript NM_014588.6 (MANE Select); coding-DNA position 739, C replaced by A.
Protein change: p.Pro247Thr; replaces proline 247 with threonine.
Molecular consequence: missense variant. On other transcripts: non-coding transcript variant (4), intron variant (1).
Genome position (GRCh38, 1-based): chr20:25,077,754, G>T on the plus strand (C>A on the coding strand, the complement: VSX1 is on the minus strand). VCF-style: chr20-25077754-G-T. GRCh37 (hg19) VCF-style: chr20-25058390-G-T.
Other names: c.739C>A, p.Pro247Thr (NM_001256272.2); c.46C>A, p.Pro16Thr (NM_001378633.1); c.627+1075C>A (NM_001256271.2); short protein forms P16T, P247T.
Identifiers: ClinVar variation 4985380 (VCV004985380.1).

ClinVar aggregate classification (germline): Uncertain significance (1 of 4 stars; one submission).

Conditions:
VSX1-related disorder. Also called: VSX1-related condition.

Submission:

PreventionGenetics, part of Exact Sciences
Classification: Uncertain significance for VSX1-related condition. Last evaluated: 2025-03-27. Review status: criteria provided, single submitter. Criteria: ACMG Guidelines, 2015. Collection method: clinical testing. Allele origin: germline.
Comment: The VSX1 c.739C>A variant is predicted to result in the amino acid substitution p.Pro247Thr. To our knowledge, this variant has not been reported in the literature or in a large population database (gnomAD), indicating this variant is rare. A different missense variant impacting the same amino acid (c.740C>G (p.Pro247Arg)) has been reported in individuals with keratoconus (De Bonis et al. 2011. PubMed ID: 21976959). At this time, the clinical significance of this variant is uncertain due to the absence of conclusive functional and genetic evidence.